The following is an entry in ClinVar:

NM_030962.4(SBF2):c.4478A>G (p.Asn1493Ser)

Genes: SBF2 (SET binding factor 2; minus strand), SBF2-AS1 (SBF2 antisense RNA 1; plus strand). Cytogenetic location: 11p15.4.
Variant type: single nucleotide variant.
Coding change: c.4478A>G on transcript NM_030962.4 (MANE Select); coding-DNA position 4478, A replaced by G.
Protein change: p.Asn1493Ser; replaces asparagine 1493 with serine.
Molecular consequence: missense variant.
Genome position (GRCh38, 1-based): chr11:9,795,923, T>C on the plus strand (A>G on the coding strand, the complement: SBF2 is on the minus strand). VCF-style: chr11-9795923-T-C. GRCh37 (hg19) VCF-style: chr11-9817470-T-C.
Other names: c.4574A>G, p.Asn1525Ser (NM_001386339.1); c.4349A>G, p.Asn1450Ser (NM_001386342.1); short protein forms N1450S, N1493S, N1525S.
Identifiers: ClinVar variation 1983758 (VCV001983758.1), dbSNP rs370223105, ClinGen allele CA5880970.

ClinVar aggregate classification (germline): Uncertain significance (1 of 4 stars; one submission).

Conditions:
Charcot-Marie-Tooth disease type 4. Also called: Charcot-Marie-Tooth disease, type IV; Charcot-Marie-Tooth, Type 4. Identifiers: Orphanet 64749, MedGen C4082197, MONDO:0018995.

Allele frequency attached by ClinVar (database versions not stated): ExAC 0.00002; gnomAD exomes 0.00002; TOPMed 0.00002; ESP Exome Variant Server 0.00008.
gnomAD v4.1: 26 of 1,613,594 alleles (0.0016%); highest among the groups gnomAD compares: Middle Eastern, 0.017%; no homozygotes.

Submission:

Labcorp Genetics (formerly Invitae), Labcorp
Classification: Uncertain significance for Charcot-Marie-Tooth disease type 4. Last evaluated: 2022-03-17. Review status: criteria provided, single submitter. Criteria: Invitae Variant Classification Sherloc (09022015). Collection method: clinical testing. Allele origin: germline.
Comment: This sequence change replaces asparagine, which is neutral and polar, with serine, which is neutral and polar, at codon 1493 of the SBF2 protein (p.Asn1493Ser). This variant is present in population databases (rs370223105, gnomAD 0.007%). This variant has not been reported in the literature in individuals affected with SBF2-related conditions. Algorithms developed to predict the effect of missense changes on protein structure and function (SIFT, PolyPhen-2, Align-GVGD) all suggest that this variant is likely to be tolerated. In summary, the available evidence is currently insufficient to determine the role of this variant in disease. Therefore, it has been classified as a Variant of Uncertain Significance.